The following is an entry in ClinVar:

ClinVar aggregate classification (germline): Uncertain significance (1 of 4 stars; one submission).

Conditions:
SEMA3G-related disorder. Also called: SEMA3G-related condition.

Submission:

PreventionGenetics, part of Exact Sciences
Classification: Uncertain significance for SEMA3G-related condition. Last evaluated: 2026-09-15. Review status: criteria provided, single submitter. Criteria: ACMG Guidelines, 2015. Collection method: clinical testing. Allele origin: germline.
Comment: The SEMA3G c.1926C>A variant is predicted to result in the amino acid substitution p.Phe642Leu. To our knowledge, this variant has not been reported in the literature or in a large population database (gnomAD), indicating this variant is rare. At this time, the clinical significance of this variant is uncertain due to the absence of conclusive functional and genetic evidence.

NM_020163.3(SEMA3G):c.1926C>A (p.Phe642Leu)

Gene: SEMA3G (semaphorin 3G; minus strand). Cytogenetic location: 3p21.1.
Variant type: single nucleotide variant.
Coding change: c.1926C>A on transcript NM_020163.3 (MANE Select); coding-DNA position 1926, C replaced by A.
Protein change: p.Phe642Leu; replaces phenylalanine 642 with leucine.
Molecular consequence: missense variant.
Genome position (GRCh38, 1-based): chr3:52,436,026, G>T on the plus strand (C>A on the coding strand, the complement: SEMA3G is on the minus strand). VCF-style: chr3-52436026-G-T. GRCh37 (hg19) VCF-style: chr3-52470042-G-T.
Other names: short protein forms F642L.
Identifiers: ClinVar variation 4996581 (VCV004996581.1).
Genomic context (GRCh38, chr3:52,436,026, plus strand): 5'-GAAGCCATGCTCCAGAGTGGTGCAGGTGTAGGTGCCCGCATCGAAACGGCTAAGCCTGCG[G>T]AACAGCAGCCCCCGCTCCGTGTGCAAGACTCGCTCGTCCGTCTTCACCTGCCATGCGGGC-3'
Protein context (NP_064548.1, residues 632-652): RVLHTERGLL[Phe642Leu]RRLSRFDAGT